The following is an entry in ClinVar:

NM_003079.5(SMARCE1):c.515G>A (p.Ser172Asn)

Gene: SMARCE1 (SWI/SNF related BAF chromatin remodeling complex subunit E1; minus strand). Cytogenetic location: 17q21.2.
Variant type: single nucleotide variant.
Coding change: c.515G>A on transcript NM_003079.5 (MANE Select); coding-DNA position 515, G replaced by A.
Protein change: p.Ser172Asn; replaces serine 172 with asparagine.
Molecular consequence: missense variant.
Genome position (GRCh38, 1-based): chr17:40,635,957, C>T on the plus strand (G>A on the coding strand, the complement: SMARCE1 is on the minus strand). VCF-style: chr17-40635957-C-T. GRCh37 (hg19) VCF-style: chr17-38792209-C-T.
Other names: short protein forms S172N.
Identifiers: ClinVar variation 858960 (VCV000858960.13), dbSNP rs2037142277, ClinGen allele CA399366269.

ClinVar aggregate classification (germline): Conflicting classifications of pathogenicity. Review status: criteria provided, conflicting classifications (1 of 4 stars). 2 submissions from 2 submitters: Uncertain significance (1); Likely benign (1). Last evaluated 2024-11-07.

Conditions:
Hereditary cancer-predisposing syndrome. Also called: Tumor predisposition; Hereditary neoplastic syndrome; Neoplastic Syndromes, Hereditary; Hereditary Cancer Syndrome. Identifiers: Orphanet 140162, MedGen C0027672, MeSH D009386, MONDO:0015356.
Familial meningioma. Also called: Meningioma, familial, susceptibility to. Identifiers: Orphanet 263662, MedGen C3551915, MONDO:0011789, OMIM 607174.

Allele frequency attached by ClinVar (database versions not stated): TOPMed below 0.00001; gnomAD 0.00001.
gnomAD v4.1: 1 of 1,609,586 alleles (0.000062%); highest among the groups gnomAD compares: Non-Finnish European, 0.000085%; no homozygotes.

Submissions (2):

Labcorp Genetics (formerly Invitae), Labcorp
Classification: Uncertain significance for Familial meningioma. Last evaluated: 2024-11-07. Review status: criteria provided, single submitter. Criteria: Invitae Variant Classification Sherloc (09022015). Collection method: clinical testing. Allele origin: germline.
Comment: This sequence change replaces serine, which is neutral and polar, with asparagine, which is neutral and polar, at codon 172 of the SMARCE1 protein (p.Ser172Asn). This variant is not present in population databases (gnomAD no frequency). This variant has not been reported in the literature in individuals affected with SMARCE1-related conditions. ClinVar contains an entry for this variant (Variation ID: 858960). Invitae Evidence Modeling of protein sequence and biophysical properties (such as structural, functional, and spatial information, amino acid conservation, physicochemical variation, residue mobility, and thermodynamic stability) indicates that this missense variant is expected to disrupt SMARCE1 protein function with a positive predictive value of 80%. In summary, the available evidence is currently insufficient to determine the role of this variant in disease. Therefore, it has been classified as a Variant of Uncertain Significance.

Ambry Genetics
Classification: Likely benign for Hereditary cancer-predisposing syndrome. Last evaluated: 2024-09-16. Review status: criteria provided, single submitter. Criteria: Ambry Variant Classification Scheme 2023. Collection method: clinical testing. Allele origin: germline.